The following is an entry in ClinVar:

ClinVar aggregate classification (germline): Pathogenic (1 of 4 stars; one submission).

Conditions:
Myoclonic dystonia 11 (DYT11). Also called: Myoclonic dystonia; Dystonia 11; Dystonia, alcohol responsive; Hereditary essential myoclonus; SGCE Myoclonus-Dystonia; Myoclonus-Dystonia. Identifiers: Orphanet 36899, MedGen C1834570, MONDO:0008044, OMIM 159900.

Submission:

Labcorp Genetics (formerly Invitae), Labcorp
Classification: Pathogenic for Myoclonic dystonia 11. Last evaluated: 2025-06-12. Review status: criteria provided, single submitter. Criteria: Invitae Variant Classification Sherloc (09022015). Collection method: clinical testing. Allele origin: germline.
Comment: This sequence change affects an acceptor splice site in intron 5 of the SGCE gene. RNA analysis indicates that disruption of this splice site induces altered splicing and may result in an absent or altered protein product. This variant is not present in population databases (gnomAD no frequency). Disruption of this splice site has been observed in individual(s) with myoclonus–dystonia syndrome (PMID: 17853490). In at least one individual the variant was observed to be de novo. ClinVar contains an entry for this variant (Variation ID: 1454062). Studies have shown that disruption of this splice site results in altered splicing, and produces a non-functional protein and/or introduces a premature termination codon (PMID: 17853490). For these reasons, this variant has been classified as Pathogenic.

Literature cited by the submitters: PubMed 17853490.

NM_003919.3(SGCE):c.663-2A>T

Genes: CASD1 (CAS1 domain sialic acid O acetyltransferase 1; plus strand), SGCE (sarcoglycan epsilon; minus strand). Cytogenetic location: 7q21.3.
Variant type: single nucleotide variant.
Coding change: c.663-2A>T on transcript NM_003919.3 (MANE Select); the canonical splice acceptor site of the intron before coding-DNA position 663, A replaced by T.
Molecular consequence: splice acceptor variant.
Genome position (GRCh38, 1-based): chr7:94,603,454, T>A on the plus strand (A>T on the coding strand, the complement: SGCE is on the minus strand). VCF-style: chr7-94603454-T-A. GRCh37 (hg19) VCF-style: chr7-94232766-T-A.
Other names: c.540-2A>T (NM_001362809.2, NM_001301139.2); c.663-2A>T (NM_001346717.2, NM_001099400.2, NM_001099401.2); c.771-2A>T (NM_001346715.2, NM_001346713.2); c.576-2A>T (NM_001362807.2, NM_001346719.2); c.390-2A>T (NM_001362808.2, NM_001346720.2).
Identifiers: ClinVar variation 1454062 (VCV001454062.8), dbSNP rs2116724997, ClinGen allele CA368232483.